The following is an entry in ClinVar:

ClinVar aggregate classification (germline): Conflicting classifications of pathogenicity. Review status: criteria provided, conflicting classifications (1 of 4 stars). 3 submissions from 3 submitters: Uncertain significance (2); Likely benign (1). Last evaluated 2025-01-06.

Conditions:
Hereditary cancer-predisposing syndrome. Also called: Neoplastic Syndromes, Hereditary; Tumor predisposition; Hereditary Cancer Syndrome; Hereditary neoplastic syndrome. Identifiers: Orphanet 140162, MedGen C0027672, MeSH D009386, MONDO:0015356.
Familial adenomatous polyposis 2. Also called: MUTYH Polyposis; COLORECTAL ADENOMATOUS POLYPOSIS, AUTOSOMAL RECESSIVE; ADENOMAS, MULTIPLE COLORECTAL, AUTOSOMAL RECESSIVE; MUTYH-associated polyposis; MYH-associated polyposis; MUTYH-related attenuated familial adenomatous polyposis. Identifiers: Orphanet 220460, Orphanet 247798, MedGen C3272841, MONDO:0012041, OMIM 608456.

Allele frequency attached by ClinVar (database versions not stated): gnomAD exomes below 0.00001; ExAC 0.00001; gnomAD 0.00001.

Submissions (3):

Ambry Genetics
Classification: Likely benign for Hereditary cancer-predisposing syndrome. Last evaluated: 2025-01-06. Review status: criteria provided, single submitter. Criteria: Ambry Variant Classification Scheme 2023. Collection method: clinical testing. Allele origin: germline.

All of Us Research Program, National Institutes of Health
Classification: Uncertain significance for Familial adenomatous polyposis 2. Last evaluated: 2023-08-23. Review status: criteria provided, single submitter. Criteria: ACMG Guidelines, 2015. Collection method: clinical testing. Allele origin: germline. Inheritance: Autosomal recessive inheritance. Observed: 2 variant alleles, 2 heterozygotes.
Comment: This missense variant replaces cysteine with tyrosine at codon 517 of the MUTYH protein. Computational prediction suggests that this variant may not impact protein structure and function (internally defined REVEL score threshold <= 0.5, PMID: 27666373). To our knowledge, functional studies have not been reported for this variant. This variant has not been reported in individuals affected with MUTYH-related disorders in the literature. This variant has not been identified in the general population by the Genome Aggregation Database (gnomAD). The available evidence is insufficient to determine the role of this variant in disease conclusively. Therefore, this variant is classified as a Variant of Uncertain Significance.

This study involves interpretation of variants in research participants for the purpose of population health screening. Participant phenotype was not available at the time of variant classification. Additional details can be found in publication PMID: 35346344, PMCID: PMC8962531

Labcorp Genetics (formerly Invitae), Labcorp
Classification: Uncertain significance for Familial adenomatous polyposis 2. Last evaluated: 2022-04-11. Review status: criteria provided, single submitter. Criteria: Invitae Variant Classification Sherloc (09022015). Collection method: clinical testing. Allele origin: germline.
Comment: This sequence change replaces cysteine, which is neutral and slightly polar, with tyrosine, which is neutral and polar, at codon 517 of the MUTYH protein (p.Cys517Tyr). This variant is not present in population databases (gnomAD no frequency). This variant has not been reported in the literature in individuals affected with MUTYH-related conditions. Algorithms developed to predict the effect of missense changes on protein structure and function (SIFT, PolyPhen-2, Align-GVGD) all suggest that this variant is likely to be tolerated. In summary, the available evidence is currently insufficient to determine the role of this variant in disease. Therefore, it has been classified as a Variant of Uncertain Significance.

NM_001048174.2(MUTYH):c.1466G>A (p.Cys489Tyr)

Gene: MUTYH (mutY DNA glycosylase; minus strand). Cytogenetic location: 1p34.1.
Variant type: single nucleotide variant.
Coding change: c.1466G>A on transcript NM_001048174.2 (MANE Select); coding-DNA position 1466, G replaced by A.
Protein change: p.Cys489Tyr; replaces cysteine 489 with tyrosine.
Molecular consequence: missense variant. On other transcripts: non-coding transcript variant (2).
Genome position (GRCh38, 1-based): chr1:45,329,406, C>T on the plus strand (G>A on the coding strand, the complement: MUTYH is on the minus strand). VCF-style: chr1-45329406-C-T. GRCh37 (hg19) VCF-style: chr1-45795078-C-T.
Other names: c.1466G>A, p.Cys489Tyr (NM_001048171.2, NM_001048173.2, NM_001293195.2 and 6 more transcripts); c.1469G>A, p.Cys490Tyr (NM_001048172.2, NM_001407086.1, NM_001407071.1 and 1 more transcripts); c.1550G>A, p.Cys517Tyr (NM_001128425.2); c.1511G>A, p.Cys504Tyr (NM_001293190.2); c.1499G>A, p.Cys500Tyr (NM_001293191.2, NM_001407069.1, NM_001407077.1); c.1190G>A, p.Cys397Tyr (NM_001293192.2, NM_001293196.2, NM_001407091.1); c.1427G>A, p.Cys476Tyr (NM_001407079.1); c.1424G>A, p.Cys475Tyr (NM_001407080.1); and 5 more; short protein forms C490Y, C374Y, C461Y, C475Y, C476Y, C503Y, C517Y, C397Y.
Identifiers: ClinVar variation 2124516 (VCV002124516.6), dbSNP rs779256175, ClinGen allele CA056916.